The following is an entry in ClinVar:

NM_003611.3(OFD1):c.1056-664C>G

Gene: OFD1 (OFD1 centriole and centriolar satellite protein; plus strand). Cytogenetic location: Xp22.2.
Variant type: single nucleotide variant.
Coding change: c.1056-664C>G on transcript NM_003611.3 (MANE Select); 664 bases into the intron before coding-DNA position 1056, C replaced by G.
Molecular consequence: intron variant.
Genome position (GRCh38, 1-based): chrX:13,752,704, C>G. VCF-style: chrX-13752704-C-G. GRCh37 (hg19) VCF-style: chrX-13770823-C-G.
Other names: c.636-664C>G (NM_001330210.2); c.936-664C>G (NM_001330209.2).
Identifiers: ClinVar variation 3223477 (VCV003223477.1), dbSNP rs1368545435, ClinGen allele CA2740034895.
Genomic context (GRCh38, chrX:13,752,704, plus strand): 5'-TATGTGTGTTAATTTTACATAGTTATGGAGCTAGTGAACTATTTGGTGTCATTGTGACAG[C>G]TTCCACAGGCTGCATGGTGTCTGCCTGGCTTTGGGAATCCTCATATGACTTTGGCAGGTG-3'

ClinVar aggregate classification (germline): Uncertain significance (1 of 4 stars; one submission).

Conditions:
Primary ciliary dyskinesia. Also called: Ciliary dyskinesia. Identifiers: Orphanet 244, MedGen C0008780, MONDO:0016575, HP:0012265.

Submission:

Ambry Genetics
Classification: Uncertain significance for Primary ciliary dyskinesia. Last evaluated: 2018-09-20. Review status: criteria provided, single submitter. Criteria: Ambry Variant Classification Scheme 2023. Collection method: clinical testing. Allele origin: germline.
Comment: formerly reported from HGMD as Y16355 c.1056C>G